The following is an entry in ClinVar:

NM_003482.4(KMT2D):c.12082A>G (p.Thr4028Ala)

Gene: KMT2D (lysine methyltransferase 2D; minus strand). Cytogenetic location: 12q13.12.
Variant type: single nucleotide variant.
Coding change: c.12082A>G on transcript NM_003482.4 (MANE Select); coding-DNA position 12082, A replaced by G.
Protein change: p.Thr4028Ala; replaces threonine 4028 with alanine.
Molecular consequence: missense variant.
Genome position (GRCh38, 1-based): chr12:49,032,623, T>C on the plus strand (A>G on the coding strand, the complement: KMT2D is on the minus strand). VCF-style: chr12-49032623-T-C. GRCh37 (hg19) VCF-style: chr12-49426406-T-C.
Other names: short protein forms T4028A.
Identifiers: ClinVar variation 3360480 (VCV003360480.1).

ClinVar aggregate classification (germline): Uncertain significance (1 of 4 stars; one submission).

gnomAD v4.1: 3 of 1,613,760 alleles (0.00019%); highest among the groups gnomAD compares: Non-Finnish European, 0.000085%; no homozygotes.

Submission:

GeneDx
Classification: Uncertain significance. Last evaluated: 2023-07-03. Review status: criteria provided, single submitter. Criteria: GeneDx Variant Classification Process June 2021. Collection method: clinical testing. Allele origin: germline. Affected: yes.
Comment: In silico analysis supports that this missense variant does not alter protein structure/function; Has not been previously published as pathogenic or benign to our knowledge